The following is an entry in ClinVar:

ClinVar aggregate classification (germline): Uncertain significance (1 of 4 stars; one submission).

Submission:

Labcorp Genetics (formerly Invitae), Labcorp
Classification: Uncertain significance. Last evaluated: 2025-01-01. Review status: criteria provided, single submitter. Criteria: Invitae Variant Classification Sherloc (09022015). Collection method: clinical testing. Allele origin: germline.
Comment: This sequence change replaces lysine, which is basic and polar, with asparagine, which is neutral and polar, at codon 742 of the ITGB3 protein (p.Lys742Asn). This variant is not present in population databases (gnomAD no frequency). This variant has not been reported in the literature in individuals affected with ITGB3-related conditions. Invitae Evidence Modeling of protein sequence and biophysical properties (such as structural, functional, and spatial information, amino acid conservation, physicochemical variation, residue mobility, and thermodynamic stability) indicates that this missense variant is expected to disrupt ITGB3 protein function with a positive predictive value of 95%. In summary, the available evidence is currently insufficient to determine the role of this variant in disease. Therefore, it has been classified as a Variant of Uncertain Significance.

NM_000212.3(ITGB3):c.2226A>C (p.Lys742Asn)

Genes: EFCAB13-DT (EFCAB13 divergent transcript; minus strand), ITGB3 (integrin subunit beta 3; plus strand). Cytogenetic location: 17q21.32.
Variant type: single nucleotide variant.
Coding change: c.2226A>C on transcript NM_000212.3 (MANE Select); coding-DNA position 2226, A replaced by C.
Protein change: p.Lys742Asn; replaces lysine 742 with asparagine.
Molecular consequence: missense variant.
Genome position (GRCh38, 1-based): chr17:47,307,562, A>C. VCF-style: chr17-47307562-A-C. GRCh37 (hg19) VCF-style: chr17-45384928-A-C.
Other names: short protein forms K742N.
Identifiers: ClinVar variation 3672094 (VCV003672094.2).